The following is an entry in ClinVar:

ClinVar aggregate classification (germline): Pathogenic/Likely pathogenic. Review status: criteria provided, multiple submitters, no conflicts (2 of 4 stars). 2 submissions from 2 submitters: Pathogenic (1); Likely pathogenic (1). Last evaluated 2023-07-10.

Conditions:
TCOF1-related disorder. Also called: TCOF1-related condition.
Treacher Collins syndrome 1 (TCS1). Also called: TCOF1-Related Treacher Collins Syndrome. Identifiers: Orphanet 861, MedGen CN315775, MONDO:0007944, OMIM 154500.

Submissions (2):

Human Genetics Bochum, Ruhr University Bochum
Classification: Likely pathogenic for Treacher Collins syndrome 1. Last evaluated: 2023-07-10. Review status: criteria provided, single submitter. Criteria: ACMG Guidelines, 2015. Collection method: clinical testing. Allele origin: germline. Affected: yes.
Comment: ACMG criteria used to clasify this variant: PVS1, PM2_SUP

Blueprint Genetics
Classification: Pathogenic for TCOF1-related disorders. Last evaluated: 2021-10-15. Review status: criteria provided, single submitter. Criteria: ACMG Guidelines, 2015. Collection method: clinical testing. Allele origin: germline. Affected: yes. Observed: 1 variant allele.

NM_001371623.1(TCOF1):c.3840_3841del (p.Ala1282fs)

Gene: TCOF1 (treacle ribosome biogenesis factor 1; plus strand). Cytogenetic location: 5q32.
Variant type: Deletion.
Coding change: c.3840_3841del on transcript NM_001371623.1 (MANE Select); coding-DNA positions 3840 to 3841, 2 bases deleted (AG; older notation c.3840_3841delAG).
Protein change: p.Ala1282fs; shifts the reading frame from alanine 1282.
Molecular consequence: frameshift variant.
Genome position (GRCh38, 1-based): chr5:150,396,337-150,396,338, AG deleted. VCF-style (leftmost placement, unchanged base first): chr5-150396336-AAG-A. GRCh37 (hg19) VCF-style: chr5-149775899-AAG-A.
Other names: c.3606_3607del, p.Ala1204fs (NM_000356.4); c.3837_3838del, p.Ala1281fs (NM_001135243.2); c.3726_3727del, p.Ala1244fs (NM_001135244.2); c.3609_3610del, p.Ala1205fs (NM_001135245.2); c.3723_3724del, p.Ala1243fs (NM_001195141.2); short protein forms A1204fs, A1205fs, A1243fs, A1244fs, A1281fs, A1282fs.
Identifiers: ClinVar variation 3027435 (VCV003027435.2), dbSNP rs2534522657, ClinGen allele CA2695205540.
Genomic context (GRCh38, chr5:150,396,336, plus strand): 5'-CCATAGGTGGAAAAGAGGCTGCTTCAGGCACCACACCTCAGAAGTCCCGGAAGCCCAAGA[AAG>A]GGGCTGGGAACCCCCAAGCCTCAACCCTGGCGCTGCAAAGCAACATCACCCAGTGCCTCC-3'